The following is an entry in ClinVar:

ClinVar aggregate classification (germline): Likely benign. Review status: criteria provided, multiple submitters, no conflicts (2 of 4 stars). 3 submissions from 3 submitters: Likely benign (3). Last evaluated 2026-09-01.

Conditions:
TTN-related disorder. Also called: TTN-related disorders; TTN-related condition; TTN-related disease.
Autosomal recessive limb-girdle muscular dystrophy type 2J (LGMDR10). Also called: Limb-girdle muscular dystrophy, type 2J; MUSCULAR DYSTROPHY, LIMB-GIRDLE, AUTOSOMAL RECESSIVE 10. Identifiers: Orphanet 140922, MedGen C1837342, MONDO:0012127, OMIM 608807.
Dilated cardiomyopathy 1G (CMD1G). Identifiers: Orphanet 154, MedGen C1858763, MONDO:0011400, OMIM 604145.

Allele frequency attached by ClinVar (database versions not stated): gnomAD below 0.00001 and 0.00004; TOPMed 0.00001; gnomAD exomes 0.00003 and 0.00008; ExAC 0.00011; 1000 Genomes Project 30x 0.00047; 1000 Genomes Project 0.00060.
gnomAD v4.1: 55 of 1,587,260 alleles (0.0035%); highest among the groups gnomAD compares: South Asian, 0.054%; no homozygotes.

Submissions (3):

PreventionGenetics, part of Exact Sciences
Classification: Likely benign for TTN-related condition. Last evaluated: 2026-09-01. Review status: criteria provided, single submitter. Criteria: ACMG Guidelines, 2015. Collection method: clinical testing. Allele origin: germline.
Comment: This variant is classified as likely benign based on ACMG/AMP sequence variant interpretation guidelines (Richards et al. 2015 PMID: 25741868, with internal and published modifications).

Labcorp Genetics (formerly Invitae), Labcorp
Classification: Likely benign for Dilated cardiomyopathy 1G; Autosomal recessive limb-girdle muscular dystrophy type 2J. Last evaluated: 2026-01-18. Review status: criteria provided, single submitter. Criteria: Invitae Variant Classification Sherloc (09022015). Collection method: clinical testing. Allele origin: germline.

GeneDx
Classification: Likely benign. Last evaluated: 2015-07-30. Review status: criteria provided, single submitter. Criteria: GeneDx Variant Classification (06012015). Collection method: clinical testing. Allele origin: germline. Affected: yes.
Comment: This variant is considered likely benign or benign based on one or more of the following criteria: it is a conservative change, it occurs at a poorly conserved position in the protein, it is predicted to be benign by multiple in silico algorithms, and/or has population frequency not consistent with disease.

NM_001267550.2(TTN):c.35228-9T>A

Gene: TTN (titin; minus strand). Cytogenetic location: 2q31.2.
Variant type: single nucleotide variant.
Coding change: c.35228-9T>A on transcript NM_001267550.2 (MANE Select); 9 bases into the intron before coding-DNA position 35228, T replaced by A.
Molecular consequence: intron variant.
Genome position (GRCh38, 1-based): chr2:178,671,179, A>T on the plus strand (T>A on the coding strand, the complement: TTN is on the minus strand). VCF-style: chr2-178671179-A-T. GRCh37 (hg19) VCF-style: chr2-179535906-A-T.
Other names: c.13658-28862T>A (NM_133432.3); c.31325-9T>A (NM_133378.4); c.34106-9T>A (NM_001256850.1); c.13283-28862T>A (NM_003319.4); c.13859-28862T>A (NM_133437.4).
Identifiers: ClinVar variation 380317 (VCV000380317.10), dbSNP rs537626868, ClinGen allele CA1997881.